The following is an entry in ClinVar:

NM_001267550.2(TTN):c.54274A>G (p.Asn18092Asp)

Genes: TTN (titin; minus strand), TTN-AS1 (TTN antisense RNA 1; plus strand). Cytogenetic location: 2q31.2.
Variant type: single nucleotide variant.
Coding change: c.54274A>G on transcript NM_001267550.2 (MANE Select); coding-DNA position 54274, A replaced by G.
Protein change: p.Asn18092Asp; replaces asparagine 18092 with aspartic acid.
Molecular consequence: missense variant. On other transcripts: non-coding transcript variant (1).
Genome position (GRCh38, 1-based): chr2:178,604,815, T>C on the plus strand (A>G on the coding strand, the complement: TTN is on the minus strand). VCF-style: chr2-178604815-T-C. GRCh37 (hg19) VCF-style: chr2-179469542-T-C.
Other names: c.27454A>G, p.Asn9152Asp (NM_133432.3); c.27655A>G, p.Asn9219Asp (NM_133437.4); c.49351A>G, p.Asn16451Asp (NM_001256850.1); c.27079A>G, p.Asn9027Asp (NM_003319.4); c.46570A>G, p.Asn15524Asp (NM_133378.4); short protein forms N15524D, N16451D, N18092D, N9027D, N9152D, N9219D.
Identifiers: ClinVar variation 5016716 (VCV005016716.1).

ClinVar aggregate classification (germline): Uncertain significance (1 of 4 stars; one submission).

gnomAD v4.1: 2 of 1,612,522 alleles (0.00012%); highest among the groups gnomAD compares: Non-Finnish European, 0.00017%; no homozygotes.

Submission:

GeneDx
Classification: Uncertain significance. Last evaluated: 2026-04-10. Review status: criteria provided, single submitter. Criteria: GeneDx Variant Classification Process June 2021. Collection method: clinical testing. Allele origin: germline.
Comment: Not observed at significant frequency in large population cohorts (gnomAD); Missense variant in a gene in which most reported pathogenic variants are truncating/loss of function; Has not been previously published as pathogenic or benign to our knowledge